The following is an entry in ClinVar:

NM_001042492.3(NF1):c.576dup (p.Leu193fs)

Gene: NF1 (neurofibromin 1; plus strand). Cytogenetic location: 17q11.2.
Variant type: Duplication.
Coding change: c.576dup on transcript NM_001042492.3 (MANE Select); coding-DNA position 576, one base duplicated (A; older notation c.576dupA).
Protein change: p.Leu193fs; shifts the reading frame from leucine 193.
Molecular consequence: frameshift variant.
Genome position (GRCh38, 1-based): chr17:31,169,987, A duplicated. VCF-style (leftmost placement, unchanged base first): chr17-31169986-G-GA. GRCh37 (hg19) VCF-style: chr17-29497004-G-GA.
Other names: c.576dupA (NM_000267.3); c.576dup, p.Leu193Thrfs (NM_000267.4); c.576dup, p.Leu193fs (NM_001128147.3); short protein forms L193fs.
Identifiers: ClinVar variation 3237844 (VCV003237844.1), dbSNP rs2544719457.

ClinVar aggregate classification (germline): Pathogenic (1 of 4 stars; one submission).

Conditions:
Hereditary cancer-predisposing syndrome. Also called: Neoplastic Syndromes, Hereditary; Tumor predisposition; Hereditary neoplastic syndrome; Hereditary Cancer Syndrome. Identifiers: Orphanet 140162, MedGen C0027672, MeSH D009386, MONDO:0015356.
Cardiovascular phenotype. Identifiers: MedGen CN230736.

Submission:

Ambry Genetics
Classification: Pathogenic for Cardiovascular phenotype; Hereditary cancer-predisposing syndrome. Last evaluated: 2022-12-02. Review status: criteria provided, single submitter. Criteria: Ambry Variant Classification Scheme 2023. Collection method: clinical testing. Allele origin: germline.
Comment: The c.576dupA pathogenic mutation, located in coding exon 5 of the NF1 gene, results from a duplication of A at nucleotide position 576, causing a translational frameshift with a predicted alternate stop codon (p.L193Tfs*8). This alteration is expected to result in loss of function by premature protein truncation or nonsense-mediated mRNA decay. As such, this alteration is interpreted as a disease-causing mutation.